The following is an entry in ClinVar:

ClinVar aggregate classification (germline): Uncertain significance (1 of 4 stars; one submission).

Conditions:
Myasthenic syndrome, congenital, 22 (CMS22). Also called: PREPL DEFICIENCY. Identifiers: MedGen C4479088, MONDO:0044299, OMIM 616224.

Allele frequency attached by ClinVar (database versions not stated): gnomAD exomes below 0.00001; TOPMed below 0.00001.
gnomAD v4.1: 1 of 1,606,494 alleles (0.000062%); highest among the groups gnomAD compares: Non-Finnish European, 0.000085%; no homozygotes.

Submission:

Labcorp Genetics (formerly Invitae), Labcorp
Classification: Uncertain significance for Myasthenic syndrome, congenital, 22. Last evaluated: 2019-01-02. Review status: criteria provided, single submitter. Criteria: Invitae Variant Classification Sherloc (09022015). Collection method: clinical testing. Allele origin: germline.
Comment: This sequence change replaces serine with cysteine at codon 612 of the PREPL protein (p.Ser612Cys). The serine residue is moderately conserved and there is a moderate physicochemical difference between serine and cysteine. This variant is not present in population databases (ExAC no frequency). This variant has not been reported in the literature in individuals with PREPL-related conditions. Algorithms developed to predict the effect of missense changes on protein structure and function output the following: SIFT: "Tolerated"; PolyPhen-2: "Benign"; Align-GVGD: "Class C0". The cysteine amino acid residue is found in multiple mammalian species, suggesting that this missense change does not adversely affect protein function. These predictions have not been confirmed by published functional studies and their clinical significance is uncertain. In summary, the available evidence is currently insufficient to determine the role of this variant in disease. Therefore, it has been classified as a Variant of Uncertain Significance.

NM_001171613.2(PREPL):c.1568C>G (p.Ser523Cys)

Gene: PREPL (prolyl endopeptidase like; minus strand). Cytogenetic location: 2p21.
Variant type: single nucleotide variant.
Coding change: c.1568C>G on transcript NM_001171613.2 (MANE Select); coding-DNA position 1568, C replaced by G.
Protein change: p.Ser523Cys; replaces serine 523 with cysteine.
Molecular consequence: missense variant.
Genome position (GRCh38, 1-based): chr2:44,323,323, G>C on the plus strand (C>G on the coding strand, the complement: PREPL is on the minus strand). VCF-style: chr2-44323323-G-C. GRCh37 (hg19) VCF-style: chr2-44550462-G-C.
Other names: c.1649C>G, p.Ser550Cys (NM_001042385.2); c.1637C>G, p.Ser546Cys (NM_001042386.2); c.1835C>G, p.Ser612Cys (NM_001171603.1, NM_001171606.2, NM_001374275.1 and 2 more transcripts); c.1568C>G, p.Ser523Cys (NM_001171617.1, NM_001374277.1); short protein forms S523C, S546C, S550C, S612C.
Identifiers: ClinVar variation 859664 (VCV000859664.9), dbSNP rs1673168126, ClinGen allele CA346688814.
Genomic context (GRCh38, chr2:44,323,323, plus strand): 5'-TGAGGTTTAATATTTTGATAGGGACAGTAACGTTTTATGTAGTTCTTGTGTTTTTCATCA[G>C]ATGAAGGATTCCCCCATTCTTCTAATTCTTCTAATGTCAGAGGAAGTGTAGTGTCCATCA-3'
Protein context (NP_001165084.1, residues 513-533): EELEEWGNPS[Ser523Cys]DEKHKNYIKR